The following is an entry in ClinVar:

NM_021147.5(CCNO):c.775C>T (p.Gln259Ter)

Gene: CCNO (cyclin O; minus strand). Cytogenetic location: 5q11.2.
Variant type: single nucleotide variant.
Coding change: c.775C>T on transcript NM_021147.5 (MANE Select); coding-DNA position 775, C replaced by T.
Protein change: p.Gln259Ter; replaces glutamine 259 with a stop codon.
Molecular consequence: nonsense. On other transcripts: non-coding transcript variant (3).
Genome position (GRCh38, 1-based): chr5:55,231,653, G>A on the plus strand (C>T on the coding strand, the complement: CCNO is on the minus strand). VCF-style: chr5-55231653-G-A. GRCh37 (hg19) VCF-style: chr5-54527481-G-A.
Other names: short protein forms Q259*.
Identifiers: ClinVar variation 411596 (VCV000411596.1), dbSNP rs1060503388, ClinGen allele CA16612090.

ClinVar aggregate classification (germline): Pathogenic (1 of 4 stars; one submission).

Conditions:
Primary ciliary dyskinesia. Also called: Ciliary dyskinesia. Identifiers: Orphanet 244, MedGen C0008780, MONDO:0016575, HP:0012265.

Allele frequency attached by ClinVar (database versions not stated): gnomAD exomes 0.00001.
gnomAD v4.1: 2 of 1,582,894 alleles (0.00013%); highest among the groups gnomAD compares: Non-Finnish European, 0.00017%; no homozygotes.

Submission:

Labcorp Genetics (formerly Invitae), Labcorp
Classification: Pathogenic for Ciliary dyskinesia. Last evaluated: 2018-03-13. Review status: criteria provided, single submitter. Criteria: Invitae Variant Classification Sherloc (09022015). Collection method: clinical testing. Allele origin: germline.
Comment: This sequence change results in a premature translational stop signal in the last exon of the CCNO mRNA at codon 259 (p.Gln259*). While this is not anticipated to result in nonsense mediated decay, it is expected to delete the last 92 amino acids of the CCNO protein. This variant is not present in population databases (ExAC no frequency) and has not been reported in the literature in individuals with a CCNO-related disease. Experimental studies have not been reported for this truncating variant and it is currently unknown if the last 92 amino acids of the CCNO protein are critical for its function. A different truncation downstream of this variant (p.Gln321X) has been determined to be pathogenic (PMID: 24747639, 26139845). This suggests that deletion of this region of the CCNO protein is causative of disease. For these reasons, this variant has been classified as Pathogenic.

Literature cited by the submitters: PubMed 24747639; PubMed 26139845.